The following is an entry in ClinVar:

NM_001193313.2(SUGCT):c.1304A>G (p.His435Arg)

Gene: SUGCT (succinyl-CoA:glutarate-CoA transferase; plus strand). Cytogenetic location: 7p14.1.
Variant type: single nucleotide variant.
Coding change: c.1304A>G on transcript NM_001193313.2 (MANE Select); coding-DNA position 1304, A replaced by G.
Protein change: p.His435Arg; replaces histidine 435 with arginine.
Molecular consequence: missense variant.
Genome position (GRCh38, 1-based): chr7:40,860,466, A>G. VCF-style: chr7-40860466-A-G. GRCh37 (hg19) VCF-style: chr7-40900065-A-G.
Other names: c.1382A>G, p.His461Arg (NM_001193311.2); c.1160A>G, p.His387Arg (NM_001193312.2); c.1271A>G, p.His424Arg (NM_024728.3); short protein forms H435R, H387R, H461R, H424R.
Identifiers: ClinVar variation 1389588 (VCV001389588.6), dbSNP rs2128809838, ClinGen allele CA367314321.
Genomic context (GRCh38, chr7:40,860,466, plus strand): 5'-TCCTGAGATACGATGACAGGGCCATCGGGGAGCTGCTCAGCGCTGGAGTGGTGGACCAAC[A>G]TGAAACTCACTGACAAAGGAAAAGGGCTCTTCCTCATAACCTCGATCCGAATACACTGGC-3'
Protein context (NP_001180242.2, residues 425-438): ELLSAGVVDQ[His435Arg]ETH

ClinVar aggregate classification (germline): Uncertain significance (1 of 4 stars; one submission).

gnomAD v4.1: 6 of 1,610,896 alleles (0.00037%); highest among the groups gnomAD compares: Non-Finnish European, 0.00042%; no homozygotes.

Submission:

Labcorp Genetics (formerly Invitae), Labcorp
Classification: Uncertain significance. Last evaluated: 2021-10-27. Review status: criteria provided, single submitter. Criteria: Invitae Variant Classification Sherloc (09022015). Collection method: clinical testing. Allele origin: germline.
Comment: In summary, the available evidence is currently insufficient to determine the role of this variant in disease. Therefore, it has been classified as a Variant of Uncertain Significance. Algorithms developed to predict the effect of missense changes on protein structure and function are either unavailable or do not agree on the potential impact of this missense change (SIFT: "Deleterious"; PolyPhen-2: "Not Available"; Align-GVGD: "Class C0"). This variant has not been reported in the literature in individuals affected with SUGCT-related conditions. This variant is not present in population databases (gnomAD no frequency). This sequence change replaces histidine, a(n) basic and polar amino acid, with arginine, a(n) basic and polar amino acid, at codon 431 of the SUGCT protein (p.His431Arg).